The following is an entry in ClinVar:

ClinVar aggregate classification (germline): Uncertain significance. Review status: criteria provided, multiple submitters, no conflicts (2 of 4 stars). 2 submissions from 2 submitters: Uncertain significance (2). Last evaluated 2026-08-01.

Conditions:
Nemaline myopathy 2 (NEM2). Also called: Nemaline myopathy 2, autosomal recessive. Identifiers: MedGen C1850569, MONDO:0009725, OMIM 256030.

Allele frequency attached by ClinVar (database versions not stated): ExAC 0.00001; gnomAD exomes 0.00001; TOPMed 0.00003.
gnomAD v4.1: 3 of 1,613,226 alleles (0.00019%); highest among the groups gnomAD compares: Admixed American, 0.005%; no homozygotes.

Submissions (2):

CeGaT Center for Human Genetics Tuebingen
Classification: Uncertain significance. Last evaluated: 2026-08-01. Review status: criteria provided, single submitter. Criteria: CeGaT Center For Human Genetics Tuebingen Variant Classification Criteria Version 2. Collection method: clinical testing. Allele origin: germline. Affected: yes. Observed: 1 variant allele.
Comment: NEB: PM2:Supporting, BP4

Labcorp Genetics (formerly Invitae), Labcorp
Classification: Uncertain significance for Nemaline myopathy 2. Last evaluated: 2022-10-19. Review status: criteria provided, single submitter. Criteria: Invitae Variant Classification Sherloc (09022015). Collection method: clinical testing. Allele origin: germline.
Comment: This sequence change replaces methionine, which is neutral and non-polar, with isoleucine, which is neutral and non-polar, at codon 7007 of the NEB protein (p.Met7007Ile). This variant is present in population databases (rs779831700, gnomAD 0.003%). This variant has not been reported in the literature in individuals affected with NEB-related conditions. Algorithms developed to predict the effect of missense changes on protein structure and function are either unavailable or do not agree on the potential impact of this missense change (SIFT: "Deleterious"; PolyPhen-2: "Not Available"; Align-GVGD: "Class C0"). In summary, the available evidence is currently insufficient to determine the role of this variant in disease. Therefore, it has been classified as a Variant of Uncertain Significance.

NM_001164508.2(NEB):c.21021G>A (p.Met7007Ile)

Gene: NEB (nebulin; minus strand). Cytogenetic location: 2q23.3.
Variant type: single nucleotide variant.
Coding change: c.21021G>A on transcript NM_001164508.2 (MANE Select); coding-DNA position 21021, G replaced by A.
Protein change: p.Met7007Ile; replaces methionine 7007 with isoleucine.
Molecular consequence: missense variant.
Genome position (GRCh38, 1-based): chr2:151,537,953, C>T on the plus strand (G>A on the coding strand, the complement: NEB is on the minus strand). VCF-style: chr2-151537953-C-T. GRCh37 (hg19) VCF-style: chr2-152394467-C-T.
Other names: c.21021G>A, p.Met7007Ile (NM_001164507.2, NM_001271208.2); c.15918G>A, p.Met5306Ile (NM_004543.5); short protein forms M7007I, M5306I.
Identifiers: ClinVar variation 2051940 (VCV002051940.2), dbSNP rs779831700, ClinGen allele CA1907093.